The following is an entry in ClinVar:

ClinVar aggregate classification (germline): Uncertain significance (1 of 4 stars; one submission).

Conditions:
Hereditary cancer-predisposing syndrome. Also called: Neoplastic Syndromes, Hereditary; Tumor predisposition; Hereditary neoplastic syndrome; Hereditary Cancer Syndrome. Identifiers: Orphanet 140162, MedGen C0027672, MeSH D009386, MONDO:0015356.
Cardiovascular phenotype. Identifiers: MedGen CN230736.

Submission:

Ambry Genetics
Classification: Uncertain significance for Cardiovascular phenotype; Hereditary cancer-predisposing syndrome. Last evaluated: 2023-04-14. Review status: criteria provided, single submitter. Criteria: Ambry Variant Classification Scheme 2023. Collection method: clinical testing. Allele origin: germline.
Comment: The p.I183V variant (also known as c.547A>G), located in coding exon 5 of the NF1 gene, results from an A to G substitution at nucleotide position 547. The isoleucine at codon 183 is replaced by valine, an amino acid with highly similar properties. This amino acid position is highly conserved in available vertebrate species. In addition, the in silico prediction for this alteration is inconclusive. Since supporting evidence is limited at this time, the clinical significance of this alteration remains unclear.

NM_001042492.3(NF1):c.547A>G (p.Ile183Val)

Gene: NF1 (neurofibromin 1; plus strand). Cytogenetic location: 17q11.2.
Variant type: single nucleotide variant.
Coding change: c.547A>G on transcript NM_001042492.3 (MANE Select); coding-DNA position 547, A replaced by G.
Protein change: p.Ile183Val; replaces isoleucine 183 with valine.
Molecular consequence: missense variant.
Genome position (GRCh38, 1-based): chr17:31,169,958, A>G. VCF-style: chr17-31169958-A-G. GRCh37 (hg19) VCF-style: chr17-29496976-A-G.
Other names: c.547A>G, p.Ile183Val (NM_000267.4, NM_001128147.3); short protein forms I183V.
Identifiers: ClinVar variation 3237834 (VCV003237834.1), dbSNP rs2544719242.
Genomic context (GRCh38, chr17:31,169,958, plus strand): 5'-GAATTAACTGTTTGTTCAGAAGACAATGTTGATGTTCATGATATAGAATTGTTACAGTAT[A>G]TCAATGTGGATTGTGCAAAATTAAAACGACTCCTGAAGGGTAAGTTTAAATGTATAATAT-3'
Protein context (NP_001035957.1, residues 173-193): DVHDIELLQY[Ile183Val]NVDCAKLKRL